The following is an entry in ClinVar:

ClinVar aggregate classification (germline): Benign/Likely benign. Review status: criteria provided, multiple submitters, no conflicts (2 of 4 stars). 4 submissions from 4 submitters: Benign (1); Likely benign (3). Last evaluated 2026-01-01.

Conditions:
X-linked complicated corpus callosum dysgenesis. Also called: X-Linked Complicated Corpus Callosum Agenesis. Identifiers: Orphanet 1497, MedGen C1839909, MONDO:0010569, OMIM 304100.
X-linked hydrocephalus syndrome (HYCX). Also called: X-linked hydrocephalus; AQUEDUCTAL STENOSIS, X-LINKED; X-Linked Hydrocephalus with Stenosis of the Aqueduct of Sylvius; X-Linked Hydrocephalus with Stenosis of the Aqueduct of Sylvius (HSAS); HYDROCEPHALUS, CONGENITAL, X-LINKED. Identifiers: Orphanet 2182, MedGen C0265216, MONDO:0010611, OMIM 307000.
MASA syndrome. Also called: ADDUCTED THUMB WITH MENTAL RETARDATION; CLASPED THUMB AND MENTAL RETARDATION; MENTAL RETARDATION, APHASIA, SHUFFLING GAIT, AND ADDUCTED THUMBS; SPASTIC PARAPLEGIA 1, X-LINKED; MASA Syndrome (Mental Retardation, Adducted Thumbs, Shuffling Gait, and Aphasia); MASA (Mental Retardation, Adducted Thumbs, Shuffling Gait, Aphasia) Syndrome, Including SPG1 (X-Linked Complicated Hereditary Spastic Paraplegia Type 1). Identifiers: Orphanet 2466, MedGen C0795953, MONDO:0010559, OMIM 303350.
Spastic paraplegia. Identifiers: MedGen C0037772, HP:0001258.

Allele frequency attached by ClinVar (database versions not stated): gnomAD exomes 0.00004 and 0.00015; ExAC 0.00018; gnomAD 0.00028 and 0.00032; TOPMed 0.00033; ESP Exome Variant Server 0.00047.
gnomAD v4.1: 79 of 1,209,542 alleles (0.0065%); highest among the groups gnomAD compares: African/African-American, 0.094%; no homozygotes.

Submissions (4):

CeGaT Center for Human Genetics Tuebingen
Classification: Likely benign. Last evaluated: 2026-01-01. Review status: criteria provided, single submitter. Criteria: CeGaT Center For Human Genetics Tuebingen Variant Classification Criteria Version 2. Collection method: clinical testing. Allele origin: germline. Affected: yes. Observed: 1 variant allele.
Comment: L1CAM: BP4, BS2

Labcorp Genetics (formerly Invitae), Labcorp
Classification: Benign for Spastic paraplegia. Last evaluated: 2025-11-24. Review status: criteria provided, single submitter. Criteria: Invitae Variant Classification Sherloc (09022015). Collection method: clinical testing. Allele origin: germline.

Fulgent Genetics
Classification: Likely benign for MASA syndrome; X-linked complicated corpus callosum dysgenesis; X-linked hydrocephalus syndrome. Last evaluated: 2021-07-06. Review status: criteria provided, single submitter. Criteria: ACMG Guidelines, 2015. Collection method: clinical testing. Allele origin: unknown.

Eurofins Ntd Llc (ga)
Classification: Likely benign. Last evaluated: 2015-03-03. Review status: criteria provided, single submitter. Criteria: EGL Classification Definitions 2015. Collection method: clinical testing. Allele origin: germline. Observed: 1 variant allele, 1 hemizygote.

NM_001278116.2(L1CAM):c.2657G>A (p.Arg886Gln)

Gene: L1CAM (L1 cell adhesion molecule; minus strand). Cytogenetic location: Xq28.
Variant type: single nucleotide variant.
Coding change: c.2657G>A on transcript NM_001278116.2 (MANE Select); coding-DNA position 2657, G replaced by A.
Protein change: p.Arg886Gln; replaces arginine 886 with glutamine.
Molecular consequence: missense variant.
Genome position (GRCh38, 1-based): chrX:153,865,391, C>T on the plus strand (G>A on the coding strand, the complement: L1CAM is on the minus strand). VCF-style: chrX-153865391-C-T. GRCh37 (hg19) VCF-style: chrX-153130846-C-T.
Other names: c.2657G>A, p.Arg886Gln (NM_000425.5, NM_024003.3); c.2642G>A, p.Arg881Gln (NM_001143963.2); short protein forms R886Q, R881Q.
Identifiers: ClinVar variation 195460 (VCV000195460.18), dbSNP rs142603269, ClinGen allele CA201766.
Genomic context (GRCh38, chrX:153,865,391, plus strand): 5'-GCGGGCCCCGATCCTCGCCCGTTAAAGGCCTGCACCTCCAGGTGGTAGGAGCTATAGGGC[C>T]GCAAGCCACTGAGGATGACACTGGTGGTGTTGGCGGGCACCACCACATGGTCTTTGTGGA-3'
Protein context (NP_001265045.1, residues 876-896): NTTSVILSGL[Arg886Gln]PYSSYHLEVQ